The following is an entry in ClinVar:

NM_024876.4(COQ8B):c.1364A>G (p.Tyr455Cys)

Gene: COQ8B (coenzyme Q8B; minus strand). Cytogenetic location: 19q13.2.
Variant type: single nucleotide variant.
Coding change: c.1364A>G on transcript NM_024876.4 (MANE Select); coding-DNA position 1364, A replaced by G.
Protein change: p.Tyr455Cys; replaces tyrosine 455 with cysteine.
Molecular consequence: missense variant.
Genome position (GRCh38, 1-based): chr19:40,692,306, T>C on the plus strand (A>G on the coding strand, the complement: COQ8B is on the minus strand). VCF-style: chr19-40692306-T-C. GRCh37 (hg19) VCF-style: chr19-41198211-T-C.
Other names: c.1241A>G, p.Tyr414Cys (NM_001142555.3); short protein forms Y455C, Y414C.
Identifiers: ClinVar variation 559232 (VCV000559232.56), dbSNP rs144343899, ClinGen allele CA9450025.

ClinVar aggregate classification (germline): Conflicting classifications of pathogenicity. Review status: criteria provided, conflicting classifications (1 of 4 stars). 5 submissions from 5 submitters: Uncertain significance (1); Likely benign (2). 2 of the submissions do not count toward it. Last evaluated 2026-09-01.

Conditions:
COQ8B-related disorder. Also called: COQ8B-related condition.

Allele frequency attached by ClinVar (database versions not stated): ESP Exome Variant Server 0.00008; 1000 Genomes Project 0.00020; gnomAD 0.00021 and 0.00024; TOPMed 0.00030; 1000 Genomes Project 30x 0.00031; gnomAD exomes 0.00036 and 0.00047; ExAC 0.00053.
gnomAD v4.1: 580 of 1,613,524 alleles (0.036%); highest among the groups gnomAD compares: Middle Eastern, 0.46%; 4 homozygotes.

Submissions (5):

CeGaT Center for Human Genetics Tuebingen
Classification: Likely benign. Last evaluated: 2026-09-01. Review status: criteria provided, single submitter. Criteria: CeGaT Center For Human Genetics Tuebingen Variant Classification Criteria Version 2. Collection method: clinical testing. Allele origin: germline. Affected: yes. Observed: 2 variant alleles.
Comment: COQ8B: BS2

Labcorp Genetics (formerly Invitae), Labcorp
Classification: Likely benign. Last evaluated: 2025-12-31. Review status: criteria provided, single submitter. Criteria: Invitae Variant Classification Sherloc (09022015). Collection method: clinical testing. Allele origin: germline.

GeneDx
Classification: Uncertain significance. Last evaluated: 2025-11-11. Review status: criteria provided, single submitter. Criteria: GeneDx Variant Classification Process June 2021. Collection method: clinical testing. Allele origin: germline. Affected: yes.
Comment: In silico analysis supports that this missense variant has a deleterious effect on protein structure/function; Has not been previously published as pathogenic or benign to our knowledge

PreventionGenetics, part of Exact Sciences
Classification: Likely benign for COQ8B-related condition. Last evaluated: 2022-02-03. Review status: no assertion criteria provided. Collection method: clinical testing. Allele origin: germline. Not counted in ClinVar's aggregate classification.
Comment: This variant is classified as likely benign based on ACMG/AMP sequence variant interpretation guidelines (Richards et al. 2015 PMID: 25741868, with internal and published modifications).

Mayo Clinic Laboratories, Mayo Clinic
Classification: Uncertain significance. Last evaluated: 2017-11-01. Review status: no assertion criteria provided. Collection method: clinical testing. Allele origin: unknown. Not counted in ClinVar's aggregate classification.